The following is an entry in ClinVar:

ClinVar aggregate classification (germline): Uncertain significance. Review status: criteria provided, multiple submitters, no conflicts (2 of 4 stars). 3 submissions from 3 submitters: Uncertain significance (3). Last evaluated 2025-03-24.

Conditions:
Autosomal recessive ataxia, Beauce type. Also called: Spinocerebellar ataxia, autosomal recessive 8; ATAXIA, RECESSIVE, OF BEAUCE; SYNE1 Deficiency; SYNE1-Related Autosomal Recessive Cerebellar Ataxia. Identifiers: Orphanet 88644, MedGen C1853116, MONDO:0012549, OMIM 610743.
Emery-Dreifuss muscular dystrophy 4, autosomal dominant (EDMD4). Also called: EMERY-DREIFUSS MUSCULAR DYSTROPHY 4 WITH VARIABLE FEATURES. Identifiers: Orphanet 261, MedGen C2751807, MONDO:0013071, OMIM 612998.

Allele frequency attached by ClinVar (database versions not stated): ExAC 0.00002; gnomAD 0.00002; gnomAD exomes 0.00002 and 0.00006; TOPMed 0.00003; 1000 Genomes Project 0.00020; 1000 Genomes Project 30x 0.00031.
gnomAD v4.1: 38 of 1,613,922 alleles (0.0024%); highest among the groups gnomAD compares: Admixed American, 0.0017%; no homozygotes.

Submissions (3):

GeneDx
Classification: Uncertain significance. Last evaluated: 2025-03-24. Review status: criteria provided, single submitter. Criteria: GeneDx Variant Classification Process June 2021. Collection method: clinical testing. Allele origin: germline. Affected: yes.
Comment: In silico analysis supports that this missense variant has a deleterious effect on protein structure/function; Has not been previously published as pathogenic or benign to our knowledge

Labcorp Genetics (formerly Invitae), Labcorp
Classification: Uncertain significance for Emery-Dreifuss muscular dystrophy 4, autosomal dominant; Autosomal recessive ataxia, Beauce type. Last evaluated: 2022-03-22. Review status: criteria provided, single submitter. Criteria: Invitae Variant Classification Sherloc (09022015). Collection method: clinical testing. Allele origin: germline.
Comment: This sequence change replaces methionine, which is neutral and non-polar, with threonine, which is neutral and polar, at codon 508 of the SYNE1 protein (p.Met508Thr). This variant is present in population databases (rs202149617, gnomAD 0.1%). This variant has not been reported in the literature in individuals affected with SYNE1-related conditions. ClinVar contains an entry for this variant (Variation ID: 287465). Algorithms developed to predict the effect of missense changes on protein structure and function are either unavailable or do not agree on the potential impact of this missense change (SIFT: "Deleterious"; PolyPhen-2: "Benign"; Align-GVGD: "Class C0"). In summary, the available evidence is currently insufficient to determine the role of this variant in disease. Therefore, it has been classified as a Variant of Uncertain Significance.

Eurofins Ntd Llc (ga)
Classification: Uncertain significance. Last evaluated: 2016-04-08. Review status: criteria provided, single submitter. Criteria: EGL Classification Definitions 2015. Collection method: clinical testing. Allele origin: germline. Observed: 2 variant alleles, 2 heterozygotes.

NM_182961.4(SYNE1):c.1502T>C (p.Met501Thr)

Gene: SYNE1 (spectrin repeat containing nuclear envelope protein 1; minus strand). Cytogenetic location: 6q25.2.
Variant type: single nucleotide variant.
Coding change: c.1502T>C on transcript NM_182961.4 (MANE Select); coding-DNA position 1502, T replaced by C.
Protein change: p.Met501Thr; replaces methionine 501 with threonine.
Molecular consequence: missense variant.
Genome position (GRCh38, 1-based): chr6:152,471,727, A>G on the plus strand (T>C on the coding strand, the complement: SYNE1 is on the minus strand). VCF-style: chr6-152471727-A-G. GRCh37 (hg19) VCF-style: chr6-152792862-A-G.
Other names: c.1523T>C, p.Met508Thr (NM_033071.5); short protein forms M501T, M508T.
Identifiers: ClinVar variation 287465 (VCV000287465.8), dbSNP rs202149617, ClinGen allele CA4059380.
Genomic context (GRCh38, chr6:152,471,727, plus strand): 5'-GACTCTGCAAGAACCAGCAGTGAGAGCAGACGGTACTTTAATTCTAAAAATTCCATTTTC[A>G]TTAGGTGTAGCTCTGATGTGGAGGAAACAAAATGAAACCTAGAAATAAAACAGGGAGAAT-3'
Protein context (NP_892006.3, residues 491-511): FVSSTSELHL[Met501Thr]KMEFLELKYR